The following is an entry in ClinVar:

NM_004612.4(TGFBR1):c.596G>A (p.Arg199Lys)

Gene: TGFBR1 (transforming growth factor beta receptor 1; plus strand). Cytogenetic location: 9q22.33.
Variant type: single nucleotide variant.
Coding change: c.596G>A on transcript NM_004612.4 (MANE Select); coding-DNA position 596, G replaced by A.
Protein change: p.Arg199Lys; replaces arginine 199 with lysine.
Molecular consequence: missense variant.
Genome position (GRCh38, 1-based): chr9:99,137,880, G>A. VCF-style: chr9-99137880-G-A. GRCh37 (hg19) VCF-style: chr9-101900162-G-A.
Other names: c.365G>A, p.Arg122Lys (NM_001130916.3); c.608G>A, p.Arg203Lys (NM_001306210.2); short protein forms R199K, R122K, R203K.
Identifiers: ClinVar variation 45098 (VCV000045098.14), dbSNP rs397517032, ClinGen allele CA008828.
Genomic context (GRCh38, chr9:99,137,880, plus strand): 5'-TTGTTGATTGTGTTGAGTACTATTTATTTTTACCTTTAGGTTTACCATTGCTTGTTCAGA[G>A]AACAATTGCGAGAACTATTGTGTTACAAGAAAGCATTGGCAAAGGTCGATTTGGAGAAGT-3'
Protein context (NP_004603.1, residues 189-209): SGSGLPLLVQ[Arg199Lys]TIARTIVLQE

ClinVar aggregate classification (germline): Uncertain significance. Review status: criteria provided, multiple submitters, no conflicts (2 of 4 stars). 2 submissions from 2 submitters: Uncertain significance (2). Last evaluated 2022-08-31.

Conditions:
Familial thoracic aortic aneurysm and aortic dissection (TAAD). Also called: Thoracic aortic aneurysms and dissections. Identifiers: Orphanet 91387, MedGen C4707243, MONDO:0019625.

Submissions (2):

Labcorp Genetics (formerly Invitae), Labcorp
Classification: Uncertain significance for Familial thoracic aortic aneurysm and aortic dissection. Last evaluated: 2022-08-31. Review status: criteria provided, single submitter. Criteria: Invitae Variant Classification Sherloc (09022015). Collection method: clinical testing. Allele origin: germline.
Comment: Advanced modeling of protein sequence and biophysical properties (such as structural, functional, and spatial information, amino acid conservation, physicochemical variation, residue mobility, and thermodynamic stability) performed at Invitae indicates that this missense variant is expected to disrupt TGFBR1 protein function. ClinVar contains an entry for this variant (Variation ID: 45098). This missense change has been observed in individual(s) with clinical features of Loeys Dietz syndrome (PMID: 24793577). This variant is not present in population databases (gnomAD no frequency). This sequence change replaces arginine, which is basic and polar, with lysine, which is basic and polar, at codon 199 of the TGFBR1 protein (p.Arg199Lys). In summary, the available evidence is currently insufficient to determine the role of this variant in disease. Therefore, it has been classified as a Variant of Uncertain Significance.

Laboratory for Molecular Medicine, Mass General Brigham Personalized Medicine
Classification: Uncertain significance. Last evaluated: 2011-11-02. Review status: criteria provided, single submitter. Criteria: LMM Criteria. Collection method: clinical testing. Allele origin: germline. Observed: 1 variant allele.

Literature cited by the submitters: PubMed 24793577 (cited by Labcorp Genetics (formerly Invitae), Labcorp).